The following is an entry in ClinVar:

NM_004991.4(MECOM):c.3586-1G>C

Gene: MECOM (MDS1 and EVI1 complex locus; minus strand). Cytogenetic location: 3q26.2.
Variant type: single nucleotide variant.
Coding change: c.3586-1G>C on transcript NM_004991.4 (MANE Select); the canonical splice acceptor site of the intron before coding-DNA position 3586, G replaced by C.
Molecular consequence: splice acceptor variant.
Genome position (GRCh38, 1-based): chr3:169,085,044, C>G on the plus strand (G>C on the coding strand, the complement: MECOM is on the minus strand). VCF-style: chr3-169085044-C-G. GRCh37 (hg19) VCF-style: chr3-168802832-C-G.
Other names: c.3022-1G>C (NM_001205194.2, NM_001366469.2, NM_001105078.4 and 1 more transcripts); c.2587-1G>C (NM_001366473.2); c.3559-1G>C (NM_001366466.2); c.2023-1G>C (NM_001366474.2); c.2995-1G>C (NM_001164000.2, NM_001366471.2, NM_001366472.2); c.2998-1G>C (NM_001366470.2, NM_001163999.2); c.3025-1G>C (NM_001366467.2, NM_001366468.2); c.3217-1G>C (NM_001105077.4).
Identifiers: ClinVar variation 2800814 (VCV002800814.3), dbSNP rs1717202146, ClinGen allele CA355064797.

ClinVar aggregate classification (germline): Uncertain significance (1 of 4 stars; one submission).

gnomAD v4.1: 14 of 1,613,788 alleles (0.00087%); highest among the groups gnomAD compares: Non-Finnish European, 0.0012%; no homozygotes.

Submission:

Labcorp Genetics (formerly Invitae), Labcorp
Classification: Uncertain significance. Last evaluated: 2023-05-15. Review status: criteria provided, single submitter. Criteria: Invitae Variant Classification Sherloc (09022015). Collection method: clinical testing. Allele origin: germline.
Comment: In summary, the available evidence is currently insufficient to determine the role of this variant in disease. Therefore, it has been classified as a Variant of Uncertain Significance. This variant is not present in population databases (gnomAD no frequency). This variant has not been reported in the literature in individuals affected with MECOM-related conditions. Variants that disrupt the consensus splice site are a relatively common cause of aberrant splicing (PMID: 17576681, 9536098). Algorithms developed to predict the effect of sequence changes on RNA splicing suggest that this variant may disrupt the consensus splice site. This sequence change affects an acceptor splice site in intron 15 of the MECOM gene. While this variant is not anticipated to result in nonsense mediated decay, it likely alters RNA splicing and results in a disrupted protein product.

Literature cited by the submitters: PubMed 17576681; PubMed 9536098.